The following is an entry in ClinVar:

NM_005883.3(APC2):c.3918GGGCGCCGG[1] (p.1307GAG[1])

Gene: APC2 (APC regulator of Wnt signaling pathway 2; plus strand). Cytogenetic location: 19p13.3.
Variant type: Microsatellite.
Coding change: c.3918GGGCGCCGG[1] on transcript NM_005883.3 (MANE Select); one copy of the 9-base unit GGGCGCCGG starting at c.3918; the reference has two copies in a row; one copy, 9 bases deleted; also written c.3927_3935del.
Protein change: p.1307GAG[1].
Molecular consequence: inframe deletion.
Genome position (GRCh38, 1-based): chr19:1,467,228-1,467,236, GGGCGCCGG deleted; deleting any 9 consecutive bases within chr19:1,467,216-1,467,236 gives the same sequence; the position shown is the placement nearest the transcript's 3' end. VCF-style (leftmost placement, unchanged base first): chr19-1467215-GCGGGGGCGC-G. GRCh37 (hg19) VCF-style: chr19-1467214-GCGGGGGCGC-G.
Other names: c.3915GGGCGCCGG[1], p.1306GAG[1] (NM_001351273.1); c.3927_3935del9 (NM_005883.2); c.3927_3935delGGGCGCCGG (NM_005883.2); c.3927_3935del (NM_005883.2).
Identifiers: ClinVar variation 2040689 (VCV002040689.6), dbSNP rs780779777, ClinGen allele CA9045768.

ClinVar aggregate classification (germline): Uncertain significance. Review status: criteria provided, multiple submitters, no conflicts (2 of 4 stars). 4 submissions from 4 submitters: Uncertain significance (4). Last evaluated 2026-03-17.

Conditions:
APC2-related disorder. Also called: APC2-related condition; APC2-Related Disorders.
Inborn genetic diseases. Identifiers: MedGen C0950123, MeSH D030342.

Submissions (4):

GeneDx
Classification: Uncertain significance. Last evaluated: 2026-03-17. Review status: criteria provided, single submitter. Criteria: GeneDx Variant Classification Process June 2021. Collection method: clinical testing. Allele origin: germline.
Comment: In-frame deletion of 3 amino acid(s) in a non-repeat region; In silico analysis suggests that this variant does not alter protein structure/function; Has not been previously published as pathogenic or benign to our knowledge

Labcorp Genetics (formerly Invitae), Labcorp
Classification: Uncertain significance. Last evaluated: 2025-12-17. Review status: criteria provided, single submitter. Criteria: Invitae Variant Classification Sherloc (09022015). Collection method: clinical testing. Allele origin: germline.
Comment: This variant, c.3927_3935del, results in the deletion of 3 amino acid(s) of the APC2 protein (p.Gly1310_Gly1312del), but otherwise preserves the integrity of the reading frame. This variant is present in population databases (rs780779777, gnomAD 0.1%), and has an allele count higher than expected for a pathogenic variant. This variant has not been reported in the literature in individuals affected with APC2-related conditions. Experimental studies and prediction algorithms are not available or were not evaluated, and the functional significance of this variant is currently unknown. In summary, the available evidence is currently insufficient to determine the role of this variant in disease. Therefore, it has been classified as a Variant of Uncertain Significance.

PreventionGenetics, part of Exact Sciences
Classification: Uncertain significance for APC2-related condition. Last evaluated: 2023-02-03. Review status: criteria provided, single submitter. Criteria: ACMG Guidelines, 2015. Collection method: clinical testing. Allele origin: germline.
Comment: The APC2 c.3927_3935del9 variant is predicted to result in an in-frame deletion (p.Gly1310_Gly1312del). To our knowledge, this variant has not been reported in the literature. This variant is reported in 0.15% of alleles in individuals of East Asian descent in gnomAD. Although we suspect that this variant may be benign, at this time, the clinical significance of this variant is uncertain due to the absence of conclusive functional and genetic evidence.

Ambry Genetics
Classification: Uncertain significance for Inborn genetic diseases. Last evaluated: 2022-08-16. Review status: criteria provided, single submitter. Criteria: Ambry Variant Classification Scheme 2023. Collection method: clinical testing. Allele origin: germline.
Comment: The c.3927_3935delGGGCGCCGG (p.G1310_G1312del) alteration is located in exon 15 (coding exon 14) of the APC2 gene. This alteration consists of an in-frame deletion of 9 nucleotides between nucleotide positions c.3927 and c.3935, resulting in the deletion of 3 residues. Based on insufficient or conflicting evidence, the clinical significance of this alteration remains unclear.